The following is an entry in ClinVar:

ClinVar aggregate classification (germline): Uncertain significance (1 of 4 stars; one submission).

Conditions:
Cardiovascular phenotype. Identifiers: MedGen CN230736.

gnomAD v4.1: 2 of 1,614,044 alleles (0.00012%); highest among the groups gnomAD compares: Non-Finnish European, 0.00017%; no homozygotes.

Submission:

Ambry Genetics
Classification: Uncertain significance for Cardiovascular phenotype. Last evaluated: 2021-08-12. Review status: criteria provided, single submitter. Criteria: Ambry Variant Classification Scheme 2023. Collection method: clinical testing. Allele origin: germline.
Comment: The p.Q607R variant (also known as c.1820A>G), located in coding exon 12 of the ABCG8 gene, results from an A to G substitution at nucleotide position 1820. The glutamine at codon 607 is replaced by arginine, an amino acid with highly similar properties. This amino acid position is conserved. In addition, the in silico prediction for this alteration is inconclusive. Since supporting evidence is limited at this time, the clinical significance of this alteration remains unclear.

NM_022437.3(ABCG8):c.1820A>G (p.Gln607Arg)

Gene: ABCG8 (ATP binding cassette subfamily G member 8; plus strand). Cytogenetic location: 2p21.
Variant type: single nucleotide variant.
Coding change: c.1820A>G on transcript NM_022437.3 (MANE Select); coding-DNA position 1820, A replaced by G.
Protein change: p.Gln607Arg; replaces glutamine 607 with arginine.
Molecular consequence: missense variant.
Genome position (GRCh38, 1-based): chr2:43,877,624, A>G. VCF-style: chr2-43877624-A-G. GRCh37 (hg19) VCF-style: chr2-44104763-A-G.
Other names: c.1817A>G, p.Gln606Arg (NM_001357321.2); short protein forms Q606R, Q607R.
Identifiers: ClinVar variation 1780755 (VCV001780755.2), dbSNP rs1226809267, ClinGen allele CA346670881.